The following is an entry in ClinVar:

NM_001323289.2(CDKL5):c.545T>C (p.Leu182Pro)

Gene: CDKL5 (cyclin dependent kinase like 5; plus strand). Cytogenetic location: Xp22.13.
Variant type: single nucleotide variant.
Coding change: c.545T>C on transcript NM_001323289.2 (MANE Select); coding-DNA position 545, T replaced by C.
Protein change: p.Leu182Pro; replaces leucine 182 with proline.
Molecular consequence: missense variant.
Genome position (GRCh38, 1-based): chrX:18,584,344, T>C. VCF-style: chrX-18584344-T-C. GRCh37 (hg19) VCF-style: chrX-18602464-T-C.
Other names: NM_001323289.2(CDKL5):c.545T>C; p.Leu182Pro; c.545T>C, p.Leu182Pro (NM_003159.3, NM_001037343.2); short protein forms L182P.
Identifiers: ClinVar variation 1700386 (VCV001700386.4), dbSNP rs2147145603, ClinGen allele CA412352546.

ClinVar aggregate classification (germline): Likely pathogenic. Review status: reviewed by expert panel (3 of 4 stars). 3 submissions from 3 submitters: Likely pathogenic (1). 2 of the submissions do not count toward it. Last evaluated 2025-08-27.

Conditions:
CDKL5 disorder. Identifiers: MedGen CN296942, MONDO:0100039.

Submissions (3):

ClinGen Rett and Angelman-like Disorders Variant Curation Expert Panel
Classification: Likely pathogenic for CDKL5 disorder. Last evaluated: 2025-08-27. Review status: reviewed by expert panel. Criteria: ClinGen RettAS ACMG Specifications CDKL5 V5.0.0. Collection method: curation. Allele origin: germline. Inheritance: X-linked inheritance.
Comment: The p.Leu182Pro variant in CDKL5 has been reported as a de novo occurrence (biological parentage confirmed) in an individual with epileptic encephalopathy (PMID 23708187) (PS2). The p.Leu182Pro variant in CDKL5 has been reported as a de novo occurrence (biological parentage unconfirmed) in an individual with epileptic encephalopathy (internal database - GeneDx) (PM6). The p.Leu182Pro variant has been observed in at least 2 individuals with epileptic encephalopathy (PMID 23708187, internal database - GeneDx) (PS4_supporting). The p.Leu182Pro variant in CDKL5 is absent from gnomAD v4.1 (PM2_Supporting). Computational prediction analysis tools suggests a deleterious impact; however, this information does not predict clinical significance on its own (PP3). In summary, the p.Leu182Pro variant in CDKL5 is classified as likely pathogenic for CDKL5 disorder based on the ACMG/AMP criteria (PS2, PS4_supporting, PM6, PM2_Supporting, PP3). (CDKL5 Specifications v.5.0.0; curation approved on 8/27/2025)

Centre for Population Genomics, CPG
Classification: Uncertain significance for CDKL5 disorder. Last evaluated: 2024-09-06. Review status: criteria provided, single submitter. Criteria: McKnight et al. (Hum Mutat. 2022). Collection method: curation. Allele origin: germline. Inheritance: X-linked inheritance. Not counted in ClinVar's aggregate classification.
Comment: This variant has been collected from RettBASE and curated to current modified ACMG/AMP criteria. Based on the classification scheme defined by the ClinGen Rett/Angelman-like Expert Panel for Rett/AS-like Disorders Specifications to the ACMG/AMP Variant Interpretation Guidelines VCEP 3.0, this variant is classified as variant of uncertain significance. At least the following criteria are met: This variant has been identified as a de novo occurrence in an individual with CDKL5 disorder without confirmation of paternity and maternity (PM6, PMID: 23708187). Computational prediction analysis tools suggests a deleterious impact (REVEL score>= 0.75) (PP3). This variant is absent from gnomAD (PM2_Supporting).

GeneDx
Classification: Pathogenic. Last evaluated: 2022-02-02. Review status: criteria provided, single submitter. Criteria: GeneDx Variant Classification Process June 2021. Collection method: clinical testing. Allele origin: germline. Affected: yes. Not counted in ClinVar's aggregate classification.
Comment: Not observed at significant frequency in large population cohorts (gnomAD); In silico analysis supports that this missense variant has a deleterious effect on protein structure/function; This variant is associated with the following publications: (PMID: 23708187, Mei2021[Abstract])